The following is an entry in ClinVar:

ClinVar aggregate classification (germline): Benign/Likely benign. Review status: criteria provided, multiple submitters, no conflicts (2 of 4 stars). 8 submissions from 8 submitters: Benign (7); Likely benign (1). Last evaluated 2026-01-31.

Conditions:
Charcot-Marie-Tooth disease. Also called: Charcot-Marie-Tooth Neuropathy; Charcot-Marie-Tooth Hereditary Neuropathy. Identifiers: Orphanet 166, MedGen C0007959, MONDO:0015626.
Inborn genetic diseases. Identifiers: MedGen C0950123, MeSH D030342.
Charcot-Marie-Tooth disease axonal type 2S. Also called: CHARCOT-MARIE-TOOTH NEUROPATHY, TYPE 2S; CHARCOT-MARIE-TOOTH DISEASE, AXONAL, AUTOSOMAL RECESSIVE, TYPE 2S. Identifiers: Orphanet 443073, MedGen C4015349, MONDO:0014511, OMIM 616155.
Autosomal recessive distal spinal muscular atrophy 1. Also called: HMN VI; NEURONOPATHY, SEVERE INFANTILE AXONAL, WITH RESPIRATORY FAILURE; SEVERE INFANTILE AXONAL NEUROPATHY WITH RESPIRATORY FAILURE; SPINAL MUSCULAR ATROPHY, DIAPHRAGMATIC; Spinal muscular atrophy with respiratory distress 1; NEURONOPATHY, DISTAL HEREDITARY MOTOR, HARDING TYPE VI. Identifiers: Orphanet 98920, MedGen C1858517, MONDO:0011436, OMIM 604320.

Allele frequency attached by ClinVar (database versions not stated): gnomAD exomes 0.00060 and 0.00280; gnomAD 0.00085 and 0.00116; TOPMed 0.00131; ExAC 0.00246; 1000 Genomes Project 30x 0.00671; 1000 Genomes Project 0.00739.
gnomAD v4.1: 1,106 of 1,613,976 alleles (0.069%); highest among the groups gnomAD compares: East Asian, 2.1%; 27 homozygotes.

Submissions (8):

Labcorp Genetics (formerly Invitae), Labcorp
Classification: Benign for Autosomal recessive distal spinal muscular atrophy 1; Charcot-Marie-Tooth disease axonal type 2S. Last evaluated: 2026-01-31. Review status: criteria provided, single submitter. Criteria: Invitae Variant Classification Sherloc (09022015). Collection method: clinical testing. Allele origin: germline.

Mayo Clinic Laboratories, Mayo Clinic
Classification: Benign. Last evaluated: 2021-04-20. Review status: criteria provided, single submitter. Criteria: ACMG Guidelines, 2015. Collection method: clinical testing. Allele origin: germline. Observed: 2 variant alleles.

Ambry Genetics
Classification: Likely benign for Inborn genetic diseases. Last evaluated: 2019-07-11. Review status: criteria provided, single submitter. Criteria: Ambry Variant Classification Scheme 2023. Collection method: clinical testing. Allele origin: germline.

Illumina Laboratory Services, Illumina
Classification: Benign for Autosomal recessive distal spinal muscular atrophy 1. Last evaluated: 2018-01-13. Review status: criteria provided, single submitter. Criteria: ICSL Variant Classification Criteria 13 December 2019. Collection method: clinical testing. Allele origin: germline.
Comment: This variant was observed in the ICSL laboratory as part of a predisposition screen in an ostensibly healthy population. It had not been previously curated by ICSL or reported in the Human Gene Mutation Database (HGMD: prior to June 1st, 2018), and was therefore a candidate for classification through an automated scoring system. Utilizing variant allele frequency, disease prevalence and penetrance estimates, and inheritance mode, an automated score was calculated to assess if this variant is too frequent to cause the disease. Based on the score and internal cut-off values, a variant classified as benign is not then subjected to further curation. The score for this variant resulted in a classification of benign for this disease.

Athena Diagnostics
Classification: Benign. Last evaluated: 2016-12-21. Review status: criteria provided, single submitter. Criteria: Athena Diagnostics Criteria. Collection method: clinical testing. Allele origin: germline.

GeneDx
Classification: Benign. Last evaluated: 2016-05-02. Review status: criteria provided, single submitter. Criteria: GeneDx Variant Classification (06012015). Collection method: clinical testing. Allele origin: germline. Affected: yes.
Comment: This variant is considered likely benign or benign based on one or more of the following criteria: it is a conservative change, it occurs at a poorly conserved position in the protein, it is predicted to be benign by multiple in silico algorithms, and/or has population frequency not consistent with disease.

Breakthrough Genomics
Classification: Benign. Review status: criteria provided, single submitter. Criteria: ACMG Guidelines, 2015. Collection method: not provided. Allele origin: germline. Inheritance: Autosomal recessive inheritance. Affected: yes.

Molecular Genetics Laboratory, London Health Sciences Centre
Classification: Benign for Charcot-Marie-Tooth disease. Review status: criteria provided, single submitter. Criteria: ACMG Guidelines, 2015. Collection method: clinical testing. Allele origin: germline. Affected: yes.

NM_002180.3(IGHMBP2):c.2322A>G (p.Glu774=)

Gene: IGHMBP2 (immunoglobulin mu DNA binding protein 2; plus strand). Cytogenetic location: 11q13.3.
Variant type: single nucleotide variant.
Coding change: c.2322A>G on transcript NM_002180.3 (MANE Select); coding-DNA position 2322, A replaced by G.
Protein change: p.Glu774=; no amino-acid change (glutamic acid 774 retained).
Molecular consequence: synonymous variant.
Genome position (GRCh38, 1-based): chr11:68,936,802, A>G. VCF-style: chr11-68936802-A-G. GRCh37 (hg19) VCF-style: chr11-68704270-A-G.
Other names: p.Glu774=.
Identifiers: ClinVar variation 305852 (VCV000305852.20), dbSNP rs11228414, ClinGen allele CA6153883.